The following is an entry in ClinVar:

ClinVar aggregate classification (germline): Conflicting classifications of pathogenicity. Review status: criteria provided, conflicting classifications (1 of 4 stars). 2 submissions from 2 submitters: Uncertain significance (1); Likely benign (1). Last evaluated 2025-06-14.

Allele frequency attached by ClinVar (database versions not stated): gnomAD exomes below 0.00001 and 0.00002; TOPMed below 0.00001; gnomAD 0.00001.
gnomAD v4.1: 5 of 1,209,751 alleles (0.00041%); highest among the groups gnomAD compares: Admixed American, 0.0065%; no homozygotes.

Submissions (2):

Labcorp Genetics (formerly Invitae), Labcorp
Classification: Uncertain significance. Last evaluated: 2025-06-14. Review status: criteria provided, single submitter. Criteria: Invitae Variant Classification Sherloc (09022015). Collection method: clinical testing. Allele origin: germline.
Comment: This sequence change replaces serine, which is neutral and polar, with leucine, which is neutral and non-polar, at codon 75 of the ALAS2 protein (p.Ser75Leu). This variant is present in population databases (no rsID available, gnomAD 0.01%). This variant has not been reported in the literature in individuals affected with ALAS2-related conditions. ClinVar contains an entry for this variant (Variation ID: 214094). Invitae Evidence Modeling of protein sequence and biophysical properties (such as structural, functional, and spatial information, amino acid conservation, physicochemical variation, residue mobility, and thermodynamic stability) indicates that this missense variant is not expected to disrupt ALAS2 protein function with a negative predictive value of 95%. In summary, the available evidence is currently insufficient to determine the role of this variant in disease. Therefore, it has been classified as a Variant of Uncertain Significance.

GeneDx
Classification: Likely benign. Last evaluated: 2013-10-29. Review status: criteria provided, single submitter. Criteria: GeneDx Variant Classification (06012015). Collection method: clinical testing. Allele origin: germline. Affected: yes.
Comment: This variant is considered likely benign or benign based on one or more of the following criteria: it is a conservative change, it occurs at a poorly conserved position in the protein, it is predicted to be benign by multiple in silico algorithms, and/or has population frequency not consistent with disease.

NM_000032.5(ALAS2):c.224C>T (p.Ser75Leu)

Genes: ALAS2 (5'-aminolevulinate synthase 2; minus strand), LOC108663984 (ALAS2 intron 1 and 3 erythroid regulatory elements; plus strand). Cytogenetic location: Xp11.21.
Variant type: single nucleotide variant.
Coding change: c.224C>T on transcript NM_000032.5 (MANE Select); coding-DNA position 224, C replaced by T.
Protein change: p.Ser75Leu; replaces serine 75 with leucine.
Molecular consequence: missense variant.
Genome position (GRCh38, 1-based): chrX:55,024,798, G>A on the plus strand (C>T on the coding strand, the complement: ALAS2 is on the minus strand). VCF-style: chrX-55024798-G-A. GRCh37 (hg19) VCF-style: chrX-55051231-G-A.
Other names: p.S75L:TCG>TTG; c.224C>T, p.Ser75Leu (LRG_1163t1, NM_001037967.4); c.296C>T, p.Ser99Leu (NM_001037968.4); short protein forms S75L, S99L.
Identifiers: ClinVar variation 214094 (VCV000214094.4), dbSNP rs863223900, ClinGen allele CA321033.